The following is an entry in ClinVar:

NM_022455.5(NSD1):c.6010-1G>A

Gene: NSD1 (nuclear receptor binding SET domain protein 1; plus strand). Cytogenetic location: 5q35.3.
Variant type: single nucleotide variant.
Coding change: c.6010-1G>A on transcript NM_022455.5 (MANE Select); the canonical splice acceptor site of the intron before coding-DNA position 6010, G replaced by A.
Molecular consequence: splice acceptor variant. On other transcripts: intron variant (1).
Genome position (GRCh38, 1-based): chr5:177,283,786, G>A. VCF-style: chr5-177283786-G-A. GRCh37 (hg19) VCF-style: chr5-176710787-G-A.
Other names: c.5590-1G>A (NM_001409304.1); c.5257-1G>A (NM_001409305.1); c.5248-1G>A (NM_001409306.1, NM_001409307.1); c.5137-1G>A (NM_001409308.1, NM_172349.5, NM_001365684.2); c.6010-1G>A (NM_001409302.1, NM_001409303.1, NM_001409301.1); c.5136+1205G>A (NM_001409309.1).
Identifiers: ClinVar variation 379496 (VCV000379496.2), dbSNP rs1057520620, ClinGen allele CA16604931.
Genomic context (GRCh38, chr5:177,283,786, plus strand): 5'-AATTTTAATCCACAGCAGAGGTCTCAGGAAGTCTGATGTGTAGCTTCTTTTGGAATTCTA[G>A]GACCGAATCATTGATGCTGGTCCCAAAGGAAACTATGCTCGGTTCATGAATCATTGCTGC-3'

ClinVar aggregate classification (germline): Pathogenic (1 of 4 stars; one submission).

Submission:

GeneDx
Classification: Pathogenic. Last evaluated: 2015-04-21. Review status: criteria provided, single submitter. Criteria: GeneDx Variant Classification (06012015). Collection method: clinical testing. Allele origin: germline. Affected: yes.
Comment: The c.6010-1 G>A splice site variant in the NSD1gene destroys the canonical splice acceptor site inintron 19. It is predicted to cause abnormal gene splicing, either leading to an abnormal message that issubject to nonsense-mediated mRNA decay, or to an abnormal protein product if the message is used forprotein translation. Although this variant has not been previously reported to our knowledge, we consider it to be pathogenic.